The following is an entry in ClinVar:

NM_014049.5(ACAD9):c.346G>C (p.Gly116Arg)

Gene: ACAD9 (acyl-CoA dehydrogenase family member 9; plus strand). Cytogenetic location: 3q21.3.
Variant type: single nucleotide variant.
Coding change: c.346G>C on transcript NM_014049.5 (MANE Select); coding-DNA position 346, G replaced by C.
Protein change: p.Gly116Arg; replaces glycine 116 with arginine.
Molecular consequence: missense variant. On other transcripts: non-coding transcript variant (1).
Genome position (GRCh38, 1-based): chr3:128,893,656, G>C. VCF-style: chr3-128893656-G-C. GRCh37 (hg19) VCF-style: chr3-128612499-G-C.
Other names: c.-24G>C (NM_001410805.1); short protein forms G116R.
Identifiers: ClinVar variation 1989562 (VCV001989562.4), dbSNP rs1935484671, ClinGen allele CA354432898.

ClinVar aggregate classification (germline): Uncertain significance (1 of 4 stars; one submission).

Allele frequency attached by ClinVar (database versions not stated): gnomAD exomes below 0.00001; TOPMed below 0.00001.
gnomAD v4.1: 1 of 1,613,036 alleles (0.000062%); highest among the groups gnomAD compares: African/African-American, 0.0013%; no homozygotes.

Submission:

Labcorp Genetics (formerly Invitae), Labcorp
Classification: Uncertain significance. Last evaluated: 2022-08-15. Review status: criteria provided, single submitter. Criteria: Invitae Variant Classification Sherloc (09022015). Collection method: clinical testing. Allele origin: germline.
Comment: In summary, the available evidence is currently insufficient to determine the role of this variant in disease. Therefore, it has been classified as a Variant of Uncertain Significance. Variants that disrupt the consensus splice site are a relatively common cause of aberrant splicing (PMID: 17576681, 9536098). Algorithms developed to predict the effect of missense changes on protein structure and function are either unavailable or do not agree on the potential impact of this missense change (SIFT: "Deleterious"; PolyPhen-2: "Probably Damaging"; Align-GVGD: "Class C0"). This variant has not been reported in the literature in individuals affected with ACAD9-related conditions. This variant is not present in population databases (gnomAD no frequency). This sequence change affects codon 116 of the ACAD9 mRNA. It is a 'silent' change, meaning that it does not change the encoded amino acid sequence of the ACAD9 protein. This variant also falls at the last nucleotide of exon 3, which is part of the consensus splice site for this exon.

Literature cited by the submitters: PubMed 17576681; PubMed 9536098.